The following is an entry in ClinVar:

ClinVar aggregate classification (germline): Uncertain significance (1 of 4 stars; one submission).

gnomAD v4.1: 2 of 1,614,150 alleles (0.00012%); highest among the groups gnomAD compares: South Asian, 0.0022%; no homozygotes.

Submission:

Labcorp Genetics (formerly Invitae), Labcorp
Classification: Uncertain significance. Last evaluated: 2024-11-06. Review status: criteria provided, single submitter. Criteria: Invitae Variant Classification Sherloc (09022015). Collection method: clinical testing. Allele origin: germline.
Comment: This sequence change replaces glycine, which is neutral and non-polar, with valine, which is neutral and non-polar, at codon 151 of the FAM111A protein (p.Gly151Val). This variant is present in population databases (rs773084586, gnomAD 0.007%). This variant has not been reported in the literature in individuals affected with FAM111A-related conditions. Invitae Evidence Modeling of protein sequence and biophysical properties (such as structural, functional, and spatial information, amino acid conservation, physicochemical variation, residue mobility, and thermodynamic stability) indicates that this missense variant is not expected to disrupt FAM111A protein function with a negative predictive value of 80%. In summary, the available evidence is currently insufficient to determine the role of this variant in disease. Therefore, it has been classified as a Variant of Uncertain Significance.

NM_001312909.2(FAM111A):c.452G>T (p.Gly151Val)

Gene: FAM111A (FAM111 trypsin like peptidase A; plus strand). Cytogenetic location: 11q12.1.
Variant type: single nucleotide variant.
Coding change: c.452G>T on transcript NM_001312909.2 (MANE Select); coding-DNA position 452, G replaced by T.
Protein change: p.Gly151Val; replaces glycine 151 with valine.
Molecular consequence: missense variant.
Genome position (GRCh38, 1-based): chr11:59,152,120, G>T. VCF-style: chr11-59152120-G-T. GRCh37 (hg19) VCF-style: chr11-58919593-G-T.
Other names: c.452G>T, p.Gly151Val (NM_001374849.1, NM_001374850.1, NM_001374851.1 and 29 more transcripts); short protein forms G151V.
Identifiers: ClinVar variation 3714544 (VCV003714544.2).
Genomic context (GRCh38, chr11:59,152,120, plus strand): 5'-CAGAAGGAATCAAAGAGTACATAAACCTTGGAATGCCCCTCAGTTGTTTCCCTGAAGGTG[G>T]CCAGGTGGTCATTACATTTTCCCAAAGTAAAAGTAAGCAGAAGGAAGATAACCACATATT-3'
Protein context (NP_001299838.1, residues 141-161): GMPLSCFPEG[Gly151Val]QVVITFSQSK